The following is an entry in ClinVar:

NM_014423.4(AFF4):c.1620A>T (p.Ser540=)

Gene: AFF4 (ALF transcription elongation factor 4; minus strand). Cytogenetic location: 5q31.1.
Variant type: single nucleotide variant.
Coding change: c.1620A>T on transcript NM_014423.4 (MANE Select); coding-DNA position 1620, A replaced by T.
Protein change: p.Ser540=; no amino-acid change (serine 540 retained).
Molecular consequence: synonymous variant.
Genome position (GRCh38, 1-based): chr5:132,897,010, T>A on the plus strand (A>T on the coding strand, the complement: AFF4 is on the minus strand). VCF-style: chr5-132897010-T-A. GRCh37 (hg19) VCF-style: chr5-132232702-T-A.
Identifiers: ClinVar variation 4987876 (VCV004987876.1).

ClinVar aggregate classification (germline): Likely benign (1 of 4 stars; one submission).

Conditions:
AFF4-related disorder. Also called: AFF4-related condition.

gnomAD v4.1: 5 of 1,614,108 alleles (0.00031%); highest among the groups gnomAD compares: African/African-American, 0.0067%; no homozygotes.

Submission:

PreventionGenetics, part of Exact Sciences
Classification: Likely benign for AFF4-related condition. Last evaluated: 2025-11-24. Review status: criteria provided, single submitter. Criteria: ACMG Guidelines, 2015. Collection method: clinical testing. Allele origin: germline.
Comment: This variant is classified as likely benign based on ACMG/AMP sequence variant interpretation guidelines (Richards et al. 2015 PMID: 25741868, with internal and published modifications).